The following is an entry in ClinVar:

NM_001009944.3(PKD1):c.10792G>C (p.Ala3598Pro)

Genes: PKD1 (polycystin 1, transient receptor potential channel interacting; minus strand), PKD1-AS1 (PKD1 antisense RNA 1; plus strand). Cytogenetic location: 16p13.3.
Variant type: single nucleotide variant.
Coding change: c.10792G>C on transcript NM_001009944.3 (MANE Select); coding-DNA position 10792, G replaced by C.
Protein change: p.Ala3598Pro; replaces alanine 3598 with proline.
Molecular consequence: missense variant.
Genome position (GRCh38, 1-based): chr16:2,093,840, C>G on the plus strand (G>C on the coding strand, the complement: PKD1 is on the minus strand). VCF-style: chr16-2093840-C-G. GRCh37 (hg19) VCF-style: chr16-2143841-C-G.
Other names: c.10789G>C, p.Ala3597Pro (NM_000296.4); short protein forms A3597P, A3598P.
Identifiers: ClinVar variation 3371405 (VCV003371405.1).

ClinVar aggregate classification (germline): Uncertain significance (1 of 4 stars; one submission).

Submission:

GeneDx
Classification: Uncertain significance. Last evaluated: 2024-04-02. Review status: criteria provided, single submitter. Criteria: GeneDx Variant Classification Process June 2021. Collection method: clinical testing. Allele origin: germline. Affected: yes.
Comment: Not observed at significant frequency in large population cohorts (gnomAD); In silico analysis supports that this missense variant does not alter protein structure/function; Has not been previously published as pathogenic or benign to our knowledge